The following is an entry in ClinVar:

ClinVar aggregate classification (germline): Benign. Review status: criteria provided, multiple submitters, no conflicts (2 of 4 stars). 4 submissions from 4 submitters: Benign (4). Last evaluated 2026-02-02.

Conditions:
Tumoral calcinosis, hyperphosphatemic, familial, 1. Also called: CALCINOSIS, TUMORAL, WITH HYPERPHOSPHATEMIA; LIPOCALCINOGRANULOMATOSIS; MORBUS TEUTSCHLAENDER; TEUTSCHLAENDER DISEASE, FAMILIAL; TUMORAL CALCINOSIS, PRIMARY HYPERPHOSPHATEMIC; HYPEROSTOSIS WITH HYPERPHOSPHATEMIA. Identifiers: Orphanet 53715, MedGen C4692564, MONDO:0100252, OMIM 211900.

Allele frequency attached by ClinVar (database versions not stated): 1000 Genomes Project 0.00499; 1000 Genomes Project 30x 0.00515; gnomAD exomes 0.00668; ExAC 0.00680; TOPMed 0.00758; ESP Exome Variant Server 0.00892.
gnomAD v4.1: 14,791 of 1,613,544 alleles (0.92%); highest among the groups gnomAD compares: Non-Finnish European, 1.1%; 101 homozygotes.

Submissions (4):

Labcorp Genetics (formerly Invitae), Labcorp
Classification: Benign. Last evaluated: 2026-02-02. Review status: criteria provided, single submitter. Criteria: Invitae Variant Classification Sherloc (09022015). Collection method: clinical testing. Allele origin: germline.

Mayo Clinic Laboratories, Mayo Clinic
Classification: Benign. Last evaluated: 2023-05-10. Review status: criteria provided, single submitter. Criteria: ACMG Guidelines, 2015. Collection method: clinical testing. Allele origin: germline. Observed: 3 variant alleles.
Comment: BS1, BS2

Illumina Laboratory Services, Illumina
Classification: Benign for Tumoral calcinosis, hyperphosphatemic, familial, 1. Last evaluated: 2018-01-13. Review status: criteria provided, single submitter. Criteria: ICSL Variant Classification Criteria 13 December 2019. Collection method: clinical testing. Allele origin: germline.
Comment: This variant was observed in the ICSL laboratory as part of a predisposition screen in an ostensibly healthy population. It had not been previously curated by ICSL or reported in the Human Gene Mutation Database (HGMD: prior to June 1st, 2018), and was therefore a candidate for classification through an automated scoring system. Utilizing variant allele frequency, disease prevalence and penetrance estimates, and inheritance mode, an automated score was calculated to assess if this variant is too frequent to cause the disease. Based on the score and internal cut-off values, a variant classified as benign is not then subjected to further curation. The score for this variant resulted in a classification of benign for this disease.

Breakthrough Genomics
Classification: Benign. Review status: criteria provided, single submitter. Criteria: ACMG Guidelines, 2015. Collection method: not provided. Allele origin: germline. Inheritance: Autosomal recessive inheritance. Affected: yes.

NM_004482.4(GALNT3):c.1705G>A (p.Val569Ile)

Gene: GALNT3 (polypeptide N-acetylgalactosaminyltransferase 3; minus strand). Cytogenetic location: 2q24.3.
Variant type: single nucleotide variant.
Coding change: c.1705G>A on transcript NM_004482.4 (MANE Select); coding-DNA position 1705, G replaced by A.
Protein change: p.Val569Ile; replaces valine 569 with isoleucine.
Molecular consequence: missense variant.
Genome position (GRCh38, 1-based): chr2:165,749,816, C>T on the plus strand (G>A on the coding strand, the complement: GALNT3 is on the minus strand). VCF-style: chr2-165749816-C-T. GRCh37 (hg19) VCF-style: chr2-166606326-C-T.
Other names: p.Val569Ile; short protein forms V569I.
Identifiers: ClinVar variation 782738 (VCV000782738.16), dbSNP rs146521644, ClinGen allele CA1940868.